The following is an entry in ClinVar:

ClinVar aggregate classification (germline): Uncertain significance (1 of 4 stars; one submission).

Conditions:
Early-infantile DEE. Also called: Ohtahara syndrome; Early infantile epileptic encephalopathy; Early infantile epileptic encephalopathy with suppression bursts. Identifiers: Orphanet 1934, MedGen C0393706, MONDO:0800491.

Submission:

Labcorp Genetics (formerly Invitae), Labcorp
Classification: Uncertain significance for Early-infantile DEE. Last evaluated: 2024-05-15. Review status: criteria provided, single submitter. Criteria: Invitae Variant Classification Sherloc (09022015). Collection method: clinical testing. Allele origin: germline.
Comment: This sequence change falls in intron 20 of the SCN1A gene. It does not directly change the encoded amino acid sequence of the SCN1A protein. However, this sequence change falls within a region encompassing a cryptic exon in the SCN1A gene, in which variants have been shown to alter splicing (PMID: 30526861, 34107977). This variant is not present in population databases (gnomAD no frequency). This variant has not been reported in the literature in individuals affected with SCN1A-related conditions. ClinVar contains an entry for this variant (Variation ID: 1531291). Algorithms developed to predict the effect of sequence changes on RNA splicing suggest that this variant is not likely to affect RNA splicing. In summary, the available evidence is currently insufficient to determine the role of this variant in disease. Therefore, it has been classified as a Variant of Uncertain Significance.

Literature cited by the submitters: PubMed 30526861; PubMed 34107977.

NM_001165963.4(SCN1A):c.4002+1965C>T

Genes: SCN1A (sodium voltage-gated channel alpha subunit 1; minus strand), LOC102724058 (uncharacterized LOC102724058; plus strand). Cytogenetic location: 2q24.3.
Variant type: single nucleotide variant.
Coding change: c.4002+1965C>T on transcript NM_001165963.4 (MANE Select); 1965 bases into the intron after coding-DNA position 4002, C replaced by T.
Molecular consequence: intron variant.
Genome position (GRCh38, 1-based): chr2:166,007,754, G>A on the plus strand (C>T on the coding strand, the complement: SCN1A is on the minus strand). VCF-style: chr2-166007754-G-A. GRCh37 (hg19) VCF-style: chr2-166864264-G-A.
Other names: c.3969+1965C>T (NM_001353949.2, NM_001353950.2, NM_001353951.2 and 2 more transcripts); c.3918+1965C>T (NM_001353958.2, NM_001353957.2, NM_001165964.3); c.4002+1965C>T (NM_001202435.3, NM_001353948.2); c.3966+1965C>T (NM_001353955.2, NM_001353954.2); c.3915+1965C>T (NM_001353960.2); c.1560+1965C>T (NM_001353961.2).
Identifiers: ClinVar variation 1531291 (VCV001531291.9), dbSNP rs2105551111, ClinGen allele CA2573133073.